The following is an entry in ClinVar:

NM_170784.3(MKKS):c.29C>A (p.Ser10Ter)

Gene: MKKS (MKKS centrosomal shuttling protein; minus strand). Cytogenetic location: 20p12.2.
Variant type: single nucleotide variant.
Coding change: c.29C>A on transcript NM_170784.3 (MANE Select); coding-DNA position 29, C replaced by A.
Protein change: p.Ser10Ter; replaces serine 10 with a stop codon.
Molecular consequence: nonsense.
Genome position (GRCh38, 1-based): chr20:10,413,486, G>T on the plus strand (C>A on the coding strand, the complement: MKKS is on the minus strand). VCF-style: chr20-10413486-G-T. GRCh37 (hg19) VCF-style: chr20-10394134-G-T.
Other names: c.29C>A, p.Ser10Ter (NM_018848.3); short protein forms S10*.
Identifiers: ClinVar variation 970291 (VCV000970291.12), dbSNP rs758356262, ClinGen allele CA9763758.

ClinVar aggregate classification (germline): Pathogenic/Likely pathogenic. Review status: criteria provided, multiple submitters, no conflicts (2 of 4 stars). 6 submissions from 6 submitters: Pathogenic (3); Likely pathogenic (3). Last evaluated 2026-01-27.

Conditions:
McKusick-Kaufman syndrome (MKKS). Also called: HYDROMETROCOLPOS SYNDROME; HYDROMETROCOLPOS, POSTAXIAL POLYDACTYLY, AND CONGENITAL HEART MALFORMATION. Identifiers: Orphanet 2473, MedGen C0948368, MONDO:0009367, OMIM 236700.
Bardet-Biedl syndrome 6 (BBS6). Identifiers: Orphanet 110, MedGen C1858054, MONDO:0011523, OMIM 605231.
Bardet-Biedl syndrome (BBS). Identifiers: Orphanet 110, MedGen C0752166, MONDO:0015229.
MKKS-related disorder. Also called: MKKS-related condition; MKKS-related disorders.

Allele frequency attached by ClinVar (database versions not stated): gnomAD exomes below 0.00001; ExAC 0.00001; gnomAD 0.00001.
gnomAD v4.1: 4 of 1,614,086 alleles (0.00025%); highest among the groups gnomAD compares: Admixed American, 0.005%; no homozygotes.

Submissions (6):

Labcorp Genetics (formerly Invitae), Labcorp
Classification: Pathogenic for McKusick-Kaufman syndrome; Bardet-Biedl syndrome. Last evaluated: 2026-01-27. Review status: criteria provided, single submitter. Criteria: Invitae Variant Classification Sherloc (09022015). Collection method: clinical testing. Allele origin: germline.
Comment: This sequence change creates a premature translational stop signal (p.Ser10*) in the MKKS gene. It is expected to result in an absent or disrupted protein product. Loss-of-function variants in MKKS are known to be pathogenic (PMID: 11179009, 28761321, 30614526). This variant is present in population databases (rs758356262, gnomAD 0.006%). This variant has not been reported in the literature in individuals affected with MKKS-related conditions. ClinVar contains an entry for this variant (Variation ID: 970291). For these reasons, this variant has been classified as Pathogenic.

PreventionGenetics, part of Exact Sciences
Classification: Likely pathogenic for MKKS-related condition. Last evaluated: 2025-11-03. Review status: criteria provided, single submitter. Criteria: ACMG Guidelines, 2015. Collection method: clinical testing. Allele origin: germline.
Comment: The MKKS c.29C>A variant is predicted to result in premature protein termination (p.Ser10*). This variant has been reported in the compound heterozygous state with a second likely pathogenic MKKS variant is a patient with autosomal recessive Bardet-Biedl syndrome 6 (Gupta et al. 2022. PubMed ID: 36284670). This variant is reported in 0.0056% of alleles in individuals of Latino descent in gnomAD. Nonsense variants in MKKS are expected to be pathogenic. This variant is interpreted as likely pathogenic.

Fulgent Genetics
Classification: Pathogenic for McKusick-Kaufman syndrome; Bardet-Biedl syndrome 6. Last evaluated: 2024-02-12. Review status: criteria provided, single submitter. Criteria: ACMG Guidelines, 2015. Collection method: clinical testing. Allele origin: germline.

Blueprint Genetics
Classification: Likely pathogenic for MKKS-related disorders. Last evaluated: 2022-10-17. Review status: criteria provided, single submitter. Criteria: ACMG Guidelines, 2015. Collection method: clinical testing. Allele origin: germline. Affected: yes. Observed: 3 variant alleles.

Baylor Genetics
Classification: Likely pathogenic for Bardet-Biedl syndrome 6. Last evaluated: 2022-06-08. Review status: criteria provided, single submitter. Criteria: ACMG Guidelines, 2015. Collection method: clinical testing. Allele origin: unknown.

Neuberg Centre For Genomic Medicine, NCGM
Classification: Pathogenic for Bardet-Biedl syndrome 6. Review status: criteria provided, single submitter. Criteria: ACMG Guidelines, 2015. Collection method: clinical testing. Allele origin: germline. Inheritance: Autosomal recessive inheritance. Affected: yes.

Literature cited by the submitters: PubMed 11179009 (cited by Labcorp Genetics (formerly Invitae), Labcorp); PubMed 28761321 (cited by Labcorp Genetics (formerly Invitae), Labcorp); PubMed 30614526 (cited by Labcorp Genetics (formerly Invitae), Labcorp).